The following is an entry in ClinVar:

NM_023110.3(FGFR1):c.1435G>A (p.Val479Ile)

Gene: FGFR1 (fibroblast growth factor receptor 1; minus strand). Cytogenetic location: 8p11.23.
Variant type: single nucleotide variant.
Coding change: c.1435G>A on transcript NM_023110.3 (MANE Select); coding-DNA position 1435, G replaced by A.
Protein change: p.Val479Ile; replaces valine 479 with isoleucine.
Molecular consequence: missense variant.
Genome position (GRCh38, 1-based): chr8:38,417,987, C>T on the plus strand (G>A on the coding strand, the complement: FGFR1 is on the minus strand). VCF-style: chr8-38417987-C-T. GRCh37 (hg19) VCF-style: chr8-38275505-C-T.
Other names: c.1429G>A, p.Val477Ile (NM_001174063.2, NM_001174065.2, NM_001354367.2 and 1 more transcripts); c.1405G>A, p.Val469Ile (NM_001174064.2); c.1168G>A, p.Val390Ile (NM_001174066.2, NM_023105.3); c.1528G>A, p.Val510Ile (NM_001174067.2); c.1156G>A, p.Val386Ile (NM_001354368.2); c.1423G>A, p.Val475Ile (NM_001354369.2, NM_001410922.1); c.1162G>A, p.Val388Ile (NM_001354370.2, NM_023106.3); short protein forms V386I, V388I, V390I, V469I, V475I, V477I, V479I, V510I.
Identifiers: ClinVar variation 3752129 (VCV003752129.2).
Genomic context (GRCh38, chr8:38,417,987, plus strand): 5'-CGATAGCCTCTGCCAACACCACCTGCCCAAAGCAGCCCTCTCCCAGGGGTTTGCCTAAGA[C>T]CAGTCTTTCGGGGGAAACAGAGAGTGGCATAAGTTGGGGCTGGTGAAGTTCAAACCTTGA-3'
Protein context (NP_075598.2, residues 469-489): PRWELPRDRL[Val479Ile]LGKPLGEGCF

ClinVar aggregate classification (germline): Uncertain significance (1 of 4 stars; one submission).

Conditions:
Hypogonadotropic hypogonadism 2 with or without anosmia (HH2). Also called: FGFR1-Related GnRH Deficiency (Kallmann Syndrome 2); HYPOGONADOTROPIC HYPOGONADISM 2 WITH OR WITHOUT ANOSMIA, SUSCEPTIBILITY TO; HYPOGONADOTROPIC HYPOGONADISM 2 WITHOUT ANOSMIA, SUSCEPTIBILITY TO; HYPOGONADOTROPIC HYPOGONADISM 2 WITHOUT ANOSMIA. Identifiers: Orphanet 478, MedGen C1563720, MONDO:0007844, OMIM 147950. Disease mechanism: loss of function.
Pfeiffer syndrome (ACS5). Also called: ACS V. Identifiers: Orphanet 710, MedGen C0220658, MONDO:0007043, OMIM 101600.

Submission:

Labcorp Genetics (formerly Invitae), Labcorp
Classification: Uncertain significance for Pfeiffer syndrome; Hypogonadotropic hypogonadism 2 with or without anosmia. Last evaluated: 2024-12-12. Review status: criteria provided, single submitter. Criteria: Invitae Variant Classification Sherloc (09022015). Collection method: clinical testing. Allele origin: germline.
Comment: This sequence change replaces valine, which is neutral and non-polar, with isoleucine, which is neutral and non-polar, at codon 479 of the FGFR1 protein (p.Val479Ile). This variant is not present in population databases (gnomAD no frequency). This variant has not been reported in the literature in individuals affected with FGFR1-related conditions. Invitae Evidence Modeling of protein sequence and biophysical properties (such as structural, functional, and spatial information, amino acid conservation, physicochemical variation, residue mobility, and thermodynamic stability) indicates that this missense variant is not expected to disrupt FGFR1 protein function with a negative predictive value of 80%. In summary, the available evidence is currently insufficient to determine the role of this variant in disease. Therefore, it has been classified as a Variant of Uncertain Significance.